The following is an entry in ClinVar:

NM_007186.6(CEP250):c.1652C>A (p.Ser551Ter)

Genes: CEP250-AS1 (CEP250 antisense RNA 1; minus strand), CEP250 (centrosomal protein 250; plus strand). Cytogenetic location: 20q11.22.
Variant type: single nucleotide variant.
Coding change: c.1652C>A on transcript NM_007186.6 (MANE Select); coding-DNA position 1652, C replaced by A.
Protein change: p.Ser551Ter; replaces serine 551 with a stop codon.
Molecular consequence: nonsense. On other transcripts: 5 prime UTR variant (1).
Genome position (GRCh38, 1-based): chr20:35,475,582, C>A. VCF-style: chr20-35475582-C-A. GRCh37 (hg19) VCF-style: chr20-34063407-C-A.
Other names: c.-248C>A (NM_001318219.1); short protein forms S551*.
Identifiers: ClinVar variation 1418907 (VCV001418907.6), dbSNP rs2146822389, ClinGen allele CA408764572.
Genomic context (GRCh38, chr20:35,475,582, plus strand): 5'-TGGAAGCCAAACAGTCAGAATCACTCAGTGAACTGATCACTCTTCGGGAAGCCCTGGAGT[C>A]AAGTCACCTGGAAGGGGAGTTACTGAGGCAAGAGCAAACGGAAGTGACCGCAGCGCTGGC-3'

ClinVar aggregate classification (germline): Pathogenic (1 of 4 stars; one submission).

Submission:

Labcorp Genetics (formerly Invitae), Labcorp
Classification: Pathogenic. Last evaluated: 2021-06-27. Review status: criteria provided, single submitter. Criteria: Invitae Variant Classification Sherloc (09022015). Collection method: clinical testing. Allele origin: germline.
Comment: This sequence change creates a premature translational stop signal (p.Ser551*) in the CEP250 gene. It is expected to result in an absent or disrupted protein product. Loss-of-function variants in CEP250 are known to be pathogenic (PMID: 24780881, 29718797). This variant is not present in population databases (ExAC no frequency). This variant has not been reported in the literature in individuals affected with CEP250-related conditions. For these reasons, this variant has been classified as Pathogenic.

Literature cited by the submitters: PubMed 24780881; PubMed 29718797.